The following is an entry in ClinVar:

NM_032121.5(MAGT1):c.67G>A (p.Val23Ile)

Gene: MAGT1 (magnesium transporter 1; minus strand). Cytogenetic location: Xq21.1.
Variant type: single nucleotide variant.
Coding change: c.67G>A on transcript NM_032121.5; coding-DNA position 67, G replaced by A.
Protein change: p.Val23Ile; replaces valine 23 with isoleucine.
Molecular consequence: missense variant.
Genome position (GRCh38, 1-based): chrX:77,895,440, C>T on the plus strand (G>A on the coding strand, the complement: MAGT1 is on the minus strand). VCF-style: chrX-77895440-C-T. GRCh37 (hg19) VCF-style: chrX-77150937-C-T.
Other names: short protein forms V23I.
Identifiers: ClinVar variation 445825 (VCV000445825.37), dbSNP rs182757967, ClinGen allele CA10458625.

ClinVar aggregate classification (germline): Benign/Likely benign. Review status: criteria provided, multiple submitters, no conflicts (2 of 4 stars). 5 submissions from 5 submitters: Benign (1); Likely benign (3). 1 of the submissions does not count toward it. Last evaluated 2026-01-05.

Conditions:
MAGT1-related disorder. Also called: MAGT1-related condition.
X-linked immunodeficiency with magnesium defect, Epstein-Barr virus infection and neoplasia. Identifiers: Orphanet 317476, MedGen C3275445, MONDO:0010455, OMIM 300853.

Allele frequency attached by ClinVar (database versions not stated): 1000 Genomes Project 30x 0.00021; TOPMed 0.00035; gnomAD 0.00050 and 0.00049; gnomAD exomes 0.00065 and 0.00068; ExAC 0.00085; ESP Exome Variant Server 0.00019; 1000 Genomes Project 0.00026.
gnomAD v4.1: 795 of 1,204,182 alleles (0.066%); highest among the groups gnomAD compares: Non-Finnish European, 0.071%; 2 homozygotes.

Submissions (5):

Labcorp Genetics (formerly Invitae), Labcorp
Classification: Benign for X-linked immunodeficiency with magnesium defect, Epstein-Barr virus infection and neoplasia. Last evaluated: 2026-01-05. Review status: criteria provided, single submitter. Criteria: Invitae Variant Classification Sherloc (09022015). Collection method: clinical testing. Allele origin: germline.

Blueprint Genetics
Classification: Likely benign. Last evaluated: 2024-08-23. Review status: criteria provided, single submitter. Criteria: ACMG Guidelines, 2015. Collection method: clinical testing. Allele origin: germline.

CeGaT Center for Human Genetics Tuebingen
Classification: Likely benign. Last evaluated: 2022-10-01. Review status: criteria provided, single submitter. Criteria: CeGaT Center For Human Genetics Tuebingen Variant Classification Criteria Version 2. Collection method: clinical testing. Allele origin: germline. Affected: yes. Observed: 1 variant allele.
Comment: MAGT1: BP4

Center for Pediatric Genomic Medicine, Children's Mercy Hospital and Clinics
Classification: Likely benign. Last evaluated: 2017-08-16. Review status: criteria provided, single submitter. Criteria: ACMG Guidelines, 2015. Collection method: clinical testing. Allele origin: germline.

PreventionGenetics, part of Exact Sciences
Classification: Likely benign for MAGT1-related condition. Last evaluated: 2021-04-08. Review status: no assertion criteria provided. Collection method: clinical testing. Allele origin: germline. Not counted in ClinVar's aggregate classification.
Comment: This variant is classified as likely benign based on ACMG/AMP sequence variant interpretation guidelines (Richards et al. 2015 PMID: 25741868, with internal and published modifications).